The following is an entry in ClinVar:

GRCh37/hg19 5p15.33-14.3(chr5:862398-18927500)x1

Genes: ADAMTS16 (ADAM metallopeptidase with thrombospondin type 1 motif 16; plus strand), ADCY2 (adenylate cyclase 2; plus strand), ANKH (ANKH inorganic pyrophosphate transport regulator; minus strand), ANKRD33B (ankyrin repeat domain 33B; plus strand), ATPSCKMT (ATP synthase c subunit lysine N-methyltransferase; minus strand) and 45 more. Cytogenetic location: 5p15.33-14.3.
Variant type: copy number loss.
Change: copy number 1 (one copy instead of two) of chr5:862,398-18,927,500 (18.07 Mb, GRCh37 coordinates, 1-based), cytogenetic band 5p15.33-14.3.
Identifiers: ClinVar variation 2685145 (VCV002685145.1).

ClinVar aggregate classification (germline): Pathogenic (1 of 4 stars; one submission).

Submission:

Quest Diagnostics Nichols Institute San Juan Capistrano
Classification: Pathogenic. Last evaluated: 2023-06-06. Review status: criteria provided, single submitter. Criteria: ACMG/ClinGen CNV Guidelines, 2019. Collection method: clinical testing. Allele origin: unknown.
Comment: The deletion of 5p15.33p14.3 is consistent with the clinical diagnosis of Cri-du-chat syndrome (OMIM 123450). The severity of the phenotype varies, and there is some correlation between clinical features and the size of the deletion.